The following is an entry in ClinVar:

NM_001273.5(CHD4):c.1556T>C (p.Val519Ala)

Gene: CHD4 (chromodomain helicase DNA binding protein 4; minus strand). Cytogenetic location: 12p13.31.
Variant type: single nucleotide variant.
Coding change: c.1556T>C on transcript NM_001273.5 (MANE Select); coding-DNA position 1556, T replaced by C.
Protein change: p.Val519Ala; replaces valine 519 with alanine.
Molecular consequence: missense variant.
Genome position (GRCh38, 1-based): chr12:6,598,352, A>G on the plus strand (T>C on the coding strand, the complement: CHD4 is on the minus strand). VCF-style: chr12-6598352-A-G. GRCh37 (hg19) VCF-style: chr12-6707518-A-G.
Other names: c.1535T>C, p.Val512Ala (NM_001297553.2); c.1517T>C, p.Val506Ala (NM_001363606.2); short protein forms V506A, V512A, V519A.
Identifiers: ClinVar variation 4882828 (VCV004882828.2).

ClinVar aggregate classification (germline): Uncertain significance (1 of 4 stars; one submission).

gnomAD v4.1: 1 of 1,614,066 alleles (0.000062%); highest among the groups gnomAD compares: Non-Finnish European, 0.000085%; no homozygotes.

Submission:

Dasa
Classification: Uncertain significance. Last evaluated: 2025-11-21. Review status: criteria provided, single submitter. Criteria: DASA Assertion Criteria. Collection method: clinical testing. Allele origin: germline.
Comment: NM_001273.5(CHD4):c.1556T>C (p.Val519Ala) is a missense variant that results in the substitution of valine with alanine. This variant is rare in population databases. The currently available literature and clinical evidence are not sufficient to establish a definitive association between this variant and the reported condition. Therefore, this variant is classified as a variant of uncertain significance.